The following is an entry in ClinVar:

NM_005149.3(TBX19):c.666-1G>A

Gene: TBX19 (T-box transcription factor 19; plus strand). Cytogenetic location: 1q24.2.
Variant type: single nucleotide variant.
Coding change: c.666-1G>A on transcript NM_005149.3 (MANE Select); the canonical splice acceptor site of the intron before coding-DNA position 666, G replaced by A.
Molecular consequence: splice acceptor variant.
Genome position (GRCh38, 1-based): chr1:168,300,421, G>A. VCF-style: chr1-168300421-G-A. GRCh37 (hg19) VCF-style: chr1-168269659-G-A.
Identifiers: ClinVar variation 3692833 (VCV003692833.2).

ClinVar aggregate classification (germline): Likely pathogenic (1 of 4 stars; one submission).

gnomAD v4.1: 1 of 1,614,056 alleles (0.000062%); highest among the groups gnomAD compares: Non-Finnish European, 0.000085%; no homozygotes.

Submission:

Labcorp Genetics (formerly Invitae), Labcorp
Classification: Likely pathogenic. Last evaluated: 2024-03-18. Review status: criteria provided, single submitter. Criteria: Invitae Variant Classification Sherloc (09022015). Collection method: clinical testing. Allele origin: germline.
Comment: This sequence change affects an acceptor splice site in intron 4 of the TBX19 gene. It is expected to disrupt RNA splicing. Variants that disrupt the donor or acceptor splice site typically lead to a loss of protein function (PMID: 16199547), and loss-of-function variants in TBX19 are known to be pathogenic (PMID: 22170728). This variant is not present in population databases (gnomAD no frequency). This variant has not been reported in the literature in individuals affected with TBX19-related conditions. Algorithms developed to predict the effect of sequence changes on RNA splicing suggest that this variant may disrupt the consensus splice site. In summary, the currently available evidence indicates that the variant is pathogenic, but additional data are needed to prove that conclusively. Therefore, this variant has been classified as Likely Pathogenic.

Literature cited by the submitters: PubMed 16199547; PubMed 22170728.